The following is an entry in ClinVar:

ClinVar aggregate classification (germline): Uncertain significance (1 of 4 stars; one submission).

Submission:

Labcorp Genetics (formerly Invitae), Labcorp
Classification: Uncertain significance. Last evaluated: 2024-05-09. Review status: criteria provided, single submitter. Criteria: Invitae Variant Classification Sherloc (09022015). Collection method: clinical testing. Allele origin: germline.
Comment: This sequence change replaces leucine, which is neutral and non-polar, with proline, which is neutral and non-polar, at codon 607 of the EFTUD2 protein (p.Leu607Pro). This variant is not present in population databases (gnomAD no frequency). This missense change has been observed in individual(s) with clinical features of EFTUD2-related conditions (Invitae). It has also been observed to segregate with disease in related individuals. Advanced modeling of protein sequence and biophysical properties (such as structural, functional, and spatial information, amino acid conservation, physicochemical variation, residue mobility, and thermodynamic stability) performed at Invitae indicates that this missense variant is expected to disrupt EFTUD2 protein function with a positive predictive value of 80%. In summary, the available evidence is currently insufficient to determine the role of this variant in disease. Therefore, it has been classified as a Variant of Uncertain Significance.

NM_004247.4(EFTUD2):c.1820T>C (p.Leu607Pro)

Gene: EFTUD2 (elongation factor Tu GTP binding domain containing 2; minus strand). Cytogenetic location: 17q21.31.
Variant type: single nucleotide variant.
Coding change: c.1820T>C on transcript NM_004247.4 (MANE Select); coding-DNA position 1820, T replaced by C.
Protein change: p.Leu607Pro; replaces leucine 607 with proline.
Molecular consequence: missense variant.
Genome position (GRCh38, 1-based): chr17:44,859,945, A>G on the plus strand (T>C on the coding strand, the complement: EFTUD2 is on the minus strand). VCF-style: chr17-44859945-A-G. GRCh37 (hg19) VCF-style: chr17-42937313-A-G.
Other names: c.1715T>C, p.Leu572Pro (NM_001142605.2); c.1820T>C, p.Leu607Pro (NM_001258353.2); c.1790T>C, p.Leu597Pro (NM_001258354.2); short protein forms L607P, L572P, L597P.
Identifiers: ClinVar variation 2810749 (VCV002810749.3), dbSNP rs2508751458, ClinGen allele CA399811833.